The following is an entry in ClinVar:

NM_000843.4(GRM6):c.248C>T (p.Pro83Leu)

Gene: GRM6 (glutamate metabotropic receptor 6; minus strand). Cytogenetic location: 5q35.3.
Variant type: single nucleotide variant.
Coding change: c.248C>T on transcript NM_000843.4 (MANE Select); coding-DNA position 248, C replaced by T.
Protein change: p.Pro83Leu; replaces proline 83 with leucine.
Molecular consequence: missense variant.
Genome position (GRCh38, 1-based): chr5:178,994,697, G>A on the plus strand (C>T on the coding strand, the complement: GRM6 is on the minus strand). VCF-style: chr5-178994697-G-A. GRCh37 (hg19) VCF-style: chr5-178421698-G-A.
Other names: short protein forms P83L.
Identifiers: ClinVar variation 1366168 (VCV001366168.8), dbSNP rs760673922, ClinGen allele CA3594577.
Genomic context (GRCh38, chr5:178,994,697, plus strand): 5'-GTGTCCCGCGAGCAGGTGTCCAGCAGCCGCGCGCCCAGGCGCACGCCGGGCAGCAGCTCG[G>A]GGTCGGCGTTGACGCGGTCCAGCGCGTACAGCATGGCCTCCAGCCGGTGCACGCCCTGCT-3'
Protein context (NP_000834.2, residues 73-93): LYALDRVNAD[Pro83Leu]ELLPGVRLGA

ClinVar aggregate classification (germline): Uncertain significance (1 of 4 stars; one submission).

Allele frequency attached by ClinVar (database versions not stated): gnomAD 0.00001; TOPMed 0.00001; ExAC 0.00009.
gnomAD v4.1: 6 of 1,469,944 alleles (0.00041%); highest among the groups gnomAD compares: African/African-American, 0.0015%; no homozygotes.

Submission:

Labcorp Genetics (formerly Invitae), Labcorp
Classification: Uncertain significance. Last evaluated: 2022-02-02. Review status: criteria provided, single submitter. Criteria: Invitae Variant Classification Sherloc (09022015). Collection method: clinical testing. Allele origin: germline.
Comment: In summary, the available evidence is currently insufficient to determine the role of this variant in disease. Therefore, it has been classified as a Variant of Uncertain Significance. Advanced modeling of protein sequence and biophysical properties (such as structural, functional, and spatial information, amino acid conservation, physicochemical variation, residue mobility, and thermodynamic stability) performed at Invitae indicates that this missense variant is not expected to disrupt GRM6 protein function. This variant has not been reported in the literature in individuals affected with GRM6-related conditions. The frequency data for this variant in the population databases is considered unreliable, as metrics indicate poor data quality at this position in the gnomAD database. This sequence change replaces proline, which is neutral and non-polar, with leucine, which is neutral and non-polar, at codon 83 of the GRM6 protein (p.Pro83Leu).